The following is an entry in ClinVar:

NM_002227.4(JAK1):c.2170C>T (p.Arg724Cys)

Gene: JAK1 (Janus kinase 1; minus strand). Cytogenetic location: 1p31.3.
Variant type: single nucleotide variant.
Coding change: c.2170C>T on transcript NM_002227.4 (MANE Select); coding-DNA position 2170, C replaced by T.
Protein change: p.Arg724Cys; replaces arginine 724 with cysteine.
Molecular consequence: missense variant.
Genome position (GRCh38, 1-based): chr1:64,844,835, G>A on the plus strand (C>T on the coding strand, the complement: JAK1 is on the minus strand). VCF-style: chr1-64844835-G-A. GRCh37 (hg19) VCF-style: chr1-65310518-G-A.
Other names: c.2170C>T, p.Arg724Cys (NM_001320923.2, NM_001321852.2, NM_001321853.2 and 3 more transcripts); c.2167C>T, p.Arg723Cys (NM_001321857.2); short protein forms R723C, R724C.
Identifiers: ClinVar variation 4698018 (VCV004698018.1).

ClinVar aggregate classification (germline): Uncertain significance (1 of 4 stars; one submission).

gnomAD v4.1: 2 of 1,614,122 alleles (0.00012%); highest among the groups gnomAD compares: Non-Finnish European, 0.00017%; no homozygotes.

Submission:

Labcorp Genetics (formerly Invitae), Labcorp
Classification: Uncertain significance. Last evaluated: 2025-08-11. Review status: criteria provided, single submitter. Criteria: Invitae Variant Classification Sherloc (09022015). Collection method: clinical testing. Allele origin: germline.
Comment: This sequence change replaces arginine, which is basic and polar, with cysteine, which is neutral and slightly polar, at codon 724 of the JAK1 protein (p.Arg724Cys). This variant is not present in population databases (gnomAD no frequency). This variant has not been reported in the literature in individuals affected with JAK1-related conditions. Invitae Evidence Modeling of protein sequence and biophysical properties (such as structural, functional, and spatial information, amino acid conservation, physicochemical variation, residue mobility, and thermodynamic stability) has been performed for this missense variant. However, the output from this modeling did not meet the statistical confidence thresholds required to predict the impact of this variant on JAK1 protein function. In summary, the available evidence is currently insufficient to determine the role of this variant in disease. Therefore, it has been classified as a Variant of Uncertain Significance.